The following is an entry in ClinVar:

NM_020884.7(MYH7B):c.2336T>C (p.Val779Ala)

Gene: MYH7B (myosin heavy chain 7B; plus strand). Cytogenetic location: 20q11.22.
Variant type: single nucleotide variant.
Coding change: c.2336T>C on transcript NM_020884.7 (MANE Select); coding-DNA position 2336, T replaced by C.
Protein change: p.Val779Ala; replaces valine 779 with alanine.
Molecular consequence: missense variant.
Genome position (GRCh38, 1-based): chr20:34,993,362, T>C. VCF-style: chr20-34993362-T-C. GRCh37 (hg19) VCF-style: chr20-33581165-T-C.
Other names: short protein forms V779A.
Identifiers: ClinVar variation 4810952 (VCV004810952.1).

ClinVar aggregate classification (germline): Uncertain significance (1 of 4 stars; one submission).

Submission:

Labcorp Genetics (formerly Invitae), Labcorp
Classification: Uncertain significance. Last evaluated: 2025-12-16. Review status: criteria provided, single submitter. Criteria: Invitae Variant Classification Sherloc (09022015). Collection method: clinical testing. Allele origin: germline.
Comment: This sequence change replaces valine, which is neutral and non-polar, with alanine, which is neutral and non-polar, at codon 821 of the MYH7B protein (p.Val821Ala). This variant is not present in population databases (gnomAD no frequency). This variant has not been reported in the literature in individuals affected with MYH7B-related conditions. Invitae Evidence Modeling of protein sequence and biophysical properties (such as structural, functional, and spatial information, amino acid conservation, physicochemical variation, residue mobility, and thermodynamic stability) indicates that this missense variant is not expected to disrupt MYH7B protein function with a negative predictive value of 80%. In summary, the available evidence is currently insufficient to determine the role of this variant in disease. Therefore, it has been classified as a Variant of Uncertain Significance.